The following is an entry in ClinVar:

ClinVar aggregate classification (germline): Uncertain significance (1 of 4 stars; one submission).

Submission:

GeneDx
Classification: Uncertain significance. Last evaluated: 2025-07-22. Review status: criteria provided, single submitter. Criteria: GeneDx Variant Classification Process June 2021. Collection method: clinical testing. Allele origin: germline. Affected: yes.
Comment: Not observed at significant frequency in large population cohorts (gnomAD); In silico analysis supports a deleterious effect on splicing; Has not been previously published as pathogenic or benign to our knowledge

NM_000612.6(IGF2):c.158-10G>A

Genes: IGF2 (insulin like growth factor 2; minus strand), INS-IGF2 (INS-IGF2 readthrough; minus strand). Cytogenetic location: 11p15.5.
Variant type: single nucleotide variant.
Coding change: c.158-10G>A on transcript NM_000612.6 (MANE Select); 10 bases into the intron before coding-DNA position 158, G replaced by A.
Molecular consequence: intron variant.
Genome position (GRCh38, 1-based): chr11:2,133,675, C>T on the plus strand (G>A on the coding strand, the complement: IGF2 is on the minus strand). VCF-style: chr11-2133675-C-T. GRCh37 (hg19) VCF-style: chr11-2154905-C-T.
Other names: c.158-10G>A (NM_001007139.6, NM_001291862.3, NM_001291861.3); c.326-10G>A (NM_001127598.3).
Identifiers: ClinVar variation 4687040 (VCV004687040.1).